The following is an entry in ClinVar:

NM_000052.7(ATP7A):c.1869+3A>T

Gene: ATP7A (ATPase copper transporting alpha; plus strand). Cytogenetic location: Xq21.1.
Variant type: single nucleotide variant.
Coding change: c.1869+3A>T on transcript NM_000052.7 (MANE Select); 3 bases into the intron after coding-DNA position 1869, A replaced by T.
Molecular consequence: intron variant.
Genome position (GRCh38, 1-based): chrX:78,009,266, A>T. VCF-style: chrX-78009266-A-T. GRCh37 (hg19) VCF-style: chrX-77264763-A-T.
Other names: c.1869+3A>T (NM_001282224.2).
Identifiers: ClinVar variation 3747888 (VCV003747888.2).

ClinVar aggregate classification (germline): Uncertain significance (1 of 4 stars; one submission).

Conditions:
Menkes kinky-hair syndrome (MNK). Also called: Copper transport disease; Menkes Disease; Classic Menkes Disease. Identifiers: Orphanet 565, MedGen C0022716, MONDO:0010651, OMIM 309400.
X-linked distal spinal muscular atrophy type 3. Also called: ATP7A-Related Distal Motor Neuropathy; SPINAL MUSCULAR ATROPHY, DISTAL, X-LINKED RECESSIVE; NEURONOPATHY, DISTAL HEREDITARY MOTOR, X-LINKED; NEUROPATHY, DISTAL HEREDITARY MOTOR, X-LINKED. Identifiers: Orphanet 139557, MedGen C1845359, MONDO:0010338, OMIM 300489.
Cutis laxa, X-linked (OHS). Also called: EDS IX; Occipital horn syndrome. Identifiers: Orphanet 198, MedGen C0268353, MONDO:0010572, OMIM 304150.

Submission:

Labcorp Genetics (formerly Invitae), Labcorp
Classification: Uncertain significance for X-linked distal spinal muscular atrophy type 3; Cutis laxa, X-linked; Menkes kinky-hair syndrome. Last evaluated: 2024-03-28. Review status: criteria provided, single submitter. Criteria: Invitae Variant Classification Sherloc (09022015). Collection method: clinical testing. Allele origin: germline.
Comment: This sequence change falls in intron 7 of the ATP7A gene. It does not directly change the encoded amino acid sequence of the ATP7A protein. It affects a nucleotide within the consensus splice site. This variant is not present in population databases (gnomAD no frequency). This variant has not been reported in the literature in individuals affected with ATP7A-related conditions. Variants that disrupt the consensus splice site are a relatively common cause of aberrant splicing (PMID: 17576681, 9536098). Algorithms developed to predict the effect of sequence changes on RNA splicing suggest that this variant may disrupt the consensus splice site. In summary, the available evidence is currently insufficient to determine the role of this variant in disease. Therefore, it has been classified as a Variant of Uncertain Significance.

Literature cited by the submitters: PubMed 17576681; PubMed 9536098.